The following is an entry in ClinVar:

ClinVar aggregate classification (germline): Uncertain significance. Review status: criteria provided, multiple submitters, no conflicts (2 of 4 stars). 2 submissions from 2 submitters: Uncertain significance (2). Last evaluated 2022-07-19.

Conditions:
Muscular dystrophy-dystroglycanopathy (congenital with brain and eye anomalies), type A, 7. Also called: WALKER-WARBURG SYNDROME OR MUSCLE-EYE-BRAIN DISEASE, ISPD-RELATED; Congenital muscular dystrophy-dystroglycanopathy with brain and eye anomalies, type A7. Identifiers: Orphanet 899, MedGen C3553330, MONDO:0013835, OMIM 614643.
Autosomal recessive limb-girdle muscular dystrophy type 2U. Also called: Muscular dystrophy-dystroglycanopathy (limb-girdle), type c, 7; MUSCULAR DYSTROPHY, LIMB-GIRDLE, TYPE 2U. Identifiers: Orphanet 352479, MedGen C5190987, MONDO:0014474, OMIM 616052.

gnomAD v4.1: 7 of 1,599,524 alleles (0.00044%); highest among the groups gnomAD compares: Admixed American, 0.0052%; no homozygotes.

Submissions (2):

Labcorp Genetics (formerly Invitae), Labcorp
Classification: Uncertain significance for Muscular dystrophy-dystroglycanopathy (congenital with brain and eye anomalies), type A, 7; Autosomal recessive limb-girdle muscular dystrophy type 2U. Last evaluated: 2022-07-19. Review status: criteria provided, single submitter. Criteria: Invitae Variant Classification Sherloc (09022015). Collection method: clinical testing. Allele origin: germline.
Comment: In summary, the available evidence is currently insufficient to determine the role of this variant in disease. Therefore, it has been classified as a Variant of Uncertain Significance. Algorithms developed to predict the effect of missense changes on protein structure and function are either unavailable or do not agree on the potential impact of this missense change (SIFT: "Deleterious"; PolyPhen-2: "Probably Damaging"; Align-GVGD: "Class C0"). ClinVar contains an entry for this variant (Variation ID: 1680743). This variant has not been reported in the literature in individuals affected with ISPD-related conditions. This variant is present in population databases (no rsID available, gnomAD 0.006%). This sequence change replaces leucine, which is neutral and non-polar, with phenylalanine, which is neutral and non-polar, at codon 408 of the ISPD protein (p.Leu408Phe).

Revvity Omics, Revvity
Classification: Uncertain significance. Last evaluated: 2021-11-25. Review status: criteria provided, single submitter. Criteria: ACMG Guidelines, 2015. Collection method: clinical testing. Allele origin: germline.

NM_001101426.4(CRPPA):c.1224A>T (p.Leu408Phe)

Genes: CRPPA (CDP-L-ribitol pyrophosphorylase A; minus strand), CRPPA-AS1 (CRPPA antisense RNA 1; plus strand). Cytogenetic location: 7p21.2.
Variant type: single nucleotide variant.
Coding change: c.1224A>T on transcript NM_001101426.4 (MANE Select); coding-DNA position 1224, A replaced by T.
Protein change: p.Leu408Phe; replaces leucine 408 with phenylalanine.
Molecular consequence: missense variant. On other transcripts: non-coding transcript variant (1).
Genome position (GRCh38, 1-based): chr7:16,216,093, T>A on the plus strand (A>T on the coding strand, the complement: CRPPA is on the minus strand). VCF-style: chr7-16216093-T-A. GRCh37 (hg19) VCF-style: chr7-16255718-T-A.
Other names: c.1074A>T, p.Leu358Phe (NM_001101417.4); c.1119A>T, p.Leu373Phe (NM_001368197.1); short protein forms L358F, L373F, L408F.
Identifiers: ClinVar variation 1680743 (VCV001680743.10), dbSNP rs931469039, ClinGen allele CA154740367.